The following is an entry in ClinVar:

ClinVar aggregate classification (germline): Pathogenic/Likely pathogenic. Review status: criteria provided, multiple submitters, no conflicts (2 of 4 stars). 3 submissions from 3 submitters: Pathogenic (1); Likely pathogenic (1). 1 of the submissions does not count toward it. Last evaluated 2026-04-30.

Conditions:
CEP290-related disorder. Also called: CEP290-related condition; CEP290-related disorders. Identifiers: MedGen CN239314.
CEP290-related ciliopathy. Also called: CEP290 ciliopathy. Identifiers: MedGen CN305601, MONDO:0100451.
Bardet-Biedl syndrome 14 (BBS14). Identifiers: Orphanet 110, MedGen C2673874, MONDO:0014442, OMIM 615991.

Submissions (3):

Myriad Genetics, Inc.
Classification: Pathogenic for CEP290-related ciliopathy. Last evaluated: 2026-04-30. Review status: criteria provided, single submitter. Criteria: Myriad Autosomal Dominant, Autosomal Recessive and X-Linked Classification Criteria (2023). Collection method: clinical testing. Allele origin: unknown.
Comment: NM_025114.3(CEP290):c.1516delC(R506Vfs*9) is expected to be pathogenic in the context of CEP290-related disorders. This variant is predicted to lead to an abnormal or absent protein product due to the creation of a premature termination codon in CEP290, a gene where loss-of-function variants are known to be pathogenic. Please note: this variant was assessed in the context of healthy population screening.

Baylor Genetics
Classification: Likely pathogenic for Bardet-Biedl syndrome 14. Last evaluated: 2023-01-08. Review status: criteria provided, single submitter. Criteria: ACMG Guidelines, 2015. Collection method: clinical testing. Allele origin: unknown.

PreventionGenetics, part of Exact Sciences
Classification: Likely pathogenic for CEP290-related condition. Last evaluated: 2024-06-22. Review status: no assertion criteria provided. Collection method: clinical testing. Allele origin: germline. Not counted in ClinVar's aggregate classification.
Comment: The CEP290 c.1516delC variant is predicted to result in a frameshift and premature protein termination (p.Arg506Valfs*9). To our knowledge, this variant has not been reported in the literature or in a large population database, indicating this variant is rare. Frameshift variants in CEP290 are expected to be pathogenic. This variant is interpreted as likely pathogenic.

NM_025114.4(CEP290):c.1516del (p.Arg506fs)

Gene: CEP290 (centrosomal protein 290; minus strand). Cytogenetic location: 12q21.32.
Variant type: Deletion.
Coding change: c.1516del on transcript NM_025114.4 (MANE Select); coding-DNA position 1516, one base deleted (C; older notation c.1516delC).
Protein change: p.Arg506fs; shifts the reading frame from arginine 506.
Molecular consequence: frameshift variant.
Genome position (GRCh38, 1-based): chr12:88,120,120, G deleted on the plus strand (C on the coding strand, the reverse complement: CEP290 is on the minus strand). VCF-style (leftmost placement, unchanged base first): chr12-88120119-CG-C. GRCh37 (hg19) VCF-style: chr12-88513896-CG-C.
Other names: c.1516delC (NM_025114.3); short protein forms R506fs.
Identifiers: ClinVar variation 2680640 (VCV002680640.3), dbSNP rs2501035965, ClinGen allele CA2695199144.